The following is an entry in ClinVar:

NM_005051.3(QARS1):c.2174C>T (p.Ala725Val)

Gene: QARS1 (glutaminyl-tRNA synthetase 1; minus strand). Cytogenetic location: 3p21.31.
Variant type: single nucleotide variant.
Coding change: c.2174C>T on transcript NM_005051.3 (MANE Select); coding-DNA position 2174, C replaced by T.
Protein change: p.Ala725Val; replaces alanine 725 with valine.
Molecular consequence: missense variant. On other transcripts: non-coding transcript variant (1).
Genome position (GRCh38, 1-based): chr3:49,098,095, G>A on the plus strand (C>T on the coding strand, the complement: QARS1 is on the minus strand). VCF-style: chr3-49098095-G-A. GRCh37 (hg19) VCF-style: chr3-49135528-G-A.
Other names: c.2141C>T, p.Ala714Val (NM_001272073.2); c.2174C>T (NM_005051.1); short protein forms A725V, A714V.
Identifiers: ClinVar variation 544139 (VCV000544139.7), dbSNP rs913919560, ClinGen allele CA74472203.

ClinVar aggregate classification (germline): Uncertain significance. Review status: criteria provided, multiple submitters, no conflicts (2 of 4 stars). 3 submissions from 3 submitters: Uncertain significance (3). Last evaluated 2026-07-16.

Conditions:
Diffuse cerebral and cerebellar atrophy - intractable seizures - progressive microcephaly syndrome. Also called: Microcephaly, progressive, with seizures and cerebral and cerebellar atrophy. Identifiers: Orphanet 404437, MedGen C4014239, MONDO:0014335, OMIM 615760.
Inborn genetic diseases. Identifiers: MedGen C0950123, MeSH D030342.
QARS1-related disorder. Also called: QARS1-related condition.

Allele frequency attached by ClinVar (database versions not stated): gnomAD exomes 0.00001 and 0.00006; TOPMed 0.00002; gnomAD 0.00004.
gnomAD v4.1: 86 of 1,614,058 alleles (0.0053%); highest among the groups gnomAD compares: Non-Finnish European, 0.0069%; no homozygotes.

Submissions (3):

PreventionGenetics, part of Exact Sciences
Classification: Uncertain significance for QARS1-related condition. Last evaluated: 2026-07-16. Review status: criteria provided, single submitter. Criteria: ACMG Guidelines, 2015. Collection method: clinical testing. Allele origin: germline.
Comment: The QARS1 c.2174C>T variant is predicted to result in the amino acid substitution p.Ala725Val. To our knowledge, this variant has not been reported in the literature. This variant is reported in 0.0031% of alleles in individuals of European (Non-Finnish) descent in gnomAD. At this time, the clinical significance of this variant is uncertain due to the absence of conclusive functional and genetic evidence.

Ambry Genetics
Classification: Uncertain significance for Inborn genetic diseases. Last evaluated: 2025-09-01. Review status: criteria provided, single submitter. Criteria: Ambry Variant Classification Scheme 2023. Collection method: clinical testing. Allele origin: germline.

Labcorp Genetics (formerly Invitae), Labcorp
Classification: Uncertain significance for Diffuse cerebral and cerebellar atrophy - intractable seizures - progressive microcephaly syndrome. Last evaluated: 2023-08-30. Review status: criteria provided, single submitter. Criteria: Invitae Variant Classification Sherloc (09022015). Collection method: clinical testing. Allele origin: germline.
Comment: This sequence change replaces alanine, which is neutral and non-polar, with valine, which is neutral and non-polar, at codon 725 of the QARS protein (p.Ala725Val). This variant is present in population databases (no rsID available, gnomAD 0.003%). This variant has not been reported in the literature in individuals affected with QARS-related conditions. ClinVar contains an entry for this variant (Variation ID: 544139). Advanced modeling of protein sequence and biophysical properties (such as structural, functional, and spatial information, amino acid conservation, physicochemical variation, residue mobility, and thermodynamic stability) has been performed at Invitae for this missense variant, however the output from this modeling did not meet the statistical confidence thresholds required to predict the impact of this variant on QARS protein function. In summary, the available evidence is currently insufficient to determine the role of this variant in disease. Therefore, it has been classified as a Variant of Uncertain Significance.